The following is an entry in ClinVar:

NM_006492.3(ALX3):c.116A>T (p.His39Leu)

Gene: ALX3 (ALX homeobox 3; minus strand). Cytogenetic location: 1p13.3.
Variant type: single nucleotide variant.
Coding change: c.116A>T on transcript NM_006492.3 (MANE Select); coding-DNA position 116, A replaced by T.
Protein change: p.His39Leu; replaces histidine 39 with leucine.
Molecular consequence: missense variant.
Genome position (GRCh38, 1-based): chr1:110,070,497, T>A on the plus strand (A>T on the coding strand, the complement: ALX3 is on the minus strand). VCF-style: chr1-110070497-T-A. GRCh37 (hg19) VCF-style: chr1-110613119-T-A.
Other names: short protein forms H39L.
Identifiers: ClinVar variation 2229322 (VCV002229322.2), dbSNP rs1653892880, ClinGen allele CA341587611.

ClinVar aggregate classification (germline): Uncertain significance (1 of 4 stars; one submission).

Conditions:
Inborn genetic diseases. Identifiers: MedGen C0950123, MeSH D030342.

Submission:

Ambry Genetics
Classification: Uncertain significance for Inborn genetic diseases. Last evaluated: 2021-03-24. Review status: criteria provided, single submitter. Criteria: Ambry Variant Classification Scheme 2023. Collection method: clinical testing. Allele origin: germline.
Comment: The c.116A>T (p.H39L) alteration is located in exon 1 (coding exon 1) of the ALX3 gene. This alteration results from a A to T substitution at nucleotide position 116, causing the histidine (H) at amino acid position 39 to be replaced by a leucine (L). The p.H39L alteration is predicted to be tolerated by in silico analysis. Based on insufficient or conflicting evidence, the clinical significance of this alteration remains unclear.